The following is an entry in ClinVar:

NM_001843.4(CNTN1):c.2185-231C>T

Gene: CNTN1 (contactin 1; plus strand). Cytogenetic location: 12q12.
Variant type: single nucleotide variant.
Coding change: c.2185-231C>T on transcript NM_001843.4 (MANE Select); 231 bases into the intron before coding-DNA position 2185, C replaced by T.
Molecular consequence: intron variant.
Genome position (GRCh38, 1-based): chr12:41,016,451, C>T. VCF-style: chr12-41016451-C-T. GRCh37 (hg19) VCF-style: chr12-41410253-C-T.
Other names: c.2152-231C>T (NM_175038.2).
Identifiers: ClinVar variation 679165 (VCV000679165.1), dbSNP rs74893121, ClinGen allele CA235947645.

ClinVar aggregate classification (germline): Benign (1 of 4 stars; one submission).

Allele frequency attached by ClinVar (database versions not stated): 1000 Genomes Project 0.04054; 1000 Genomes Project 30x 0.04263; TOPMed 0.07153; gnomAD 0.07864 and 0.07976.
gnomAD v4.1: 11,952 of 152,026 alleles (7.9%); highest among the groups gnomAD compares: Non-Finnish European, 11%; 631 homozygotes.

Submission:

GeneDx
Classification: Benign. Last evaluated: 2018-06-16. Review status: criteria provided, single submitter. Criteria: GeneDx Variant Classification (06012015). Collection method: clinical testing. Allele origin: germline. Affected: yes.
Comment: This variant is considered likely benign or benign based on one or more of the following criteria: it is a conservative change, it occurs at a poorly conserved position in the protein, it is predicted to be benign by multiple in silico algorithms, and/or has population frequency not consistent with disease.